The following is an entry in ClinVar:

NM_001258392.3(CLPB):c.1703C>T (p.Thr568Met)

Gene: CLPB (ClpB family mitochondrial disaggregase; minus strand). Cytogenetic location: 11q13.4.
Variant type: single nucleotide variant.
Coding change: c.1703C>T on transcript NM_001258392.3 (MANE Select); coding-DNA position 1703, C replaced by T.
Protein change: p.Thr568Met; replaces threonine 568 with methionine.
Molecular consequence: missense variant.
Genome position (GRCh38, 1-based): chr11:72,294,104, G>A on the plus strand (C>T on the coding strand, the complement: CLPB is on the minus strand). VCF-style: chr11-72294104-G-A. GRCh37 (hg19) VCF-style: chr11-72005148-G-A.
Other names: c.1616C>T, p.Thr539Met (NM_001258393.3); c.1658C>T, p.Thr553Met (NM_001258394.3); c.1793C>T, p.Thr598Met (NM_030813.6); short protein forms T598M, T568M, T553M, T539M.
Identifiers: ClinVar variation 493096 (VCV000493096.45), dbSNP rs755613972, ClinGen allele CA6171063.

ClinVar aggregate classification (germline): Uncertain significance. Review status: criteria provided, multiple submitters, no conflicts (2 of 4 stars). 2 submissions from 2 submitters: Uncertain significance (2). Last evaluated 2024-05-09.

Conditions:
3-methylglutaconic aciduria, type VIIB (MGCA7B). Also called: CLPB Deficiency; 3-methylglutaconic aciduria with cataracts, neurologic involvement and neutropenia; 3-methylglutaconic aciduria, type VII, with cataracts, neurologic involvement and neutropenia. Identifiers: Orphanet 445038, MedGen C5676893, MONDO:0014561, OMIM 616271.

Allele frequency attached by ClinVar (database versions not stated): TOPMed below 0.00001; ExAC 0.00001; gnomAD exomes 0.00001.
gnomAD v4.1: 18 of 1,614,150 alleles (0.0011%); highest among the groups gnomAD compares: South Asian, 0.0055%; no homozygotes.

Submissions (2):

Labcorp Genetics (formerly Invitae), Labcorp
Classification: Uncertain significance for 3-methylglutaconic aciduria, type VIIB. Last evaluated: 2024-05-09. Review status: criteria provided, single submitter. Criteria: Invitae Variant Classification Sherloc (09022015). Collection method: clinical testing. Allele origin: germline.
Comment: This sequence change replaces threonine, which is neutral and polar, with methionine, which is neutral and non-polar, at codon 598 of the CLPB protein (p.Thr598Met). This variant is present in population databases (rs755613972, gnomAD 0.003%). This variant has not been reported in the literature in individuals affected with CLPB-related conditions. ClinVar contains an entry for this variant (Variation ID: 493096). An algorithm developed to predict the effect of missense changes on protein structure and function (PolyPhen-2) suggests that this variant is likely to be disruptive. In summary, the available evidence is currently insufficient to determine the role of this variant in disease. Therefore, it has been classified as a Variant of Uncertain Significance.

CeGaT Center for Human Genetics Tuebingen
Classification: Uncertain significance. Last evaluated: 2017-08-01. Review status: criteria provided, single submitter. Criteria: CeGaT Center For Human Genetics Tuebingen Variant Classification Criteria Version 2. Collection method: clinical testing. Allele origin: germline. Affected: yes. Observed: 1 variant allele.